The following is an entry in ClinVar:

NM_000264.5(PTCH1):c.70C>T (p.Pro24Ser)

Genes: PTCH1 (patched 1; minus strand), LOC130002133 (ATAC-STARR-seq lymphoblastoid silent region 20071; plus strand). Cytogenetic location: 9q22.32.
Variant type: single nucleotide variant.
Coding change: c.70C>T on transcript NM_000264.5 (MANE Select); coding-DNA position 70, C replaced by T.
Protein change: p.Pro24Ser; replaces proline 24 with serine.
Molecular consequence: missense variant. On other transcripts: non-coding transcript variant (1), intron variant (3).
Genome position (GRCh38, 1-based): chr9:95,508,292, G>A on the plus strand (C>T on the coding strand, the complement: PTCH1 is on the minus strand). VCF-style: chr9-95508292-G-A. GRCh37 (hg19) VCF-style: chr9-98270574-G-A.
Other names: c.70C>T, p.Pro24Ser (NM_001354918.2); c.199-1693C>T (NM_001083603.3); c.4-1693C>T (NM_001083602.3, NM_001354919.2); short protein forms P24S.
Identifiers: ClinVar variation 826835 (VCV000826835.15), dbSNP rs1338078012, ClinGen allele CA374121478.

ClinVar aggregate classification (germline): Conflicting classifications of pathogenicity. Review status: criteria provided, conflicting classifications (1 of 4 stars). 3 submissions from 3 submitters: Uncertain significance (1); Likely benign (2). Last evaluated 2026-01-27.

Conditions:
Hereditary cancer-predisposing syndrome. Also called: Neoplastic Syndromes, Hereditary; Hereditary Cancer Syndrome; Hereditary neoplastic syndrome; Tumor predisposition. Identifiers: Orphanet 140162, MedGen C0027672, MeSH D009386, MONDO:0015356.
Gorlin syndrome. Also called: Nevoid Basal Cell Carcinoma Syndrome; Basal cell nevus syndrome. Identifiers: Orphanet 377, MedGen C0004779, MONDO:0007187.

Allele frequency attached by ClinVar (database versions not stated): gnomAD 0.00001 and 0.00002; TOPMed 0.00001.
gnomAD v4.1: 54 of 1,528,772 alleles (0.0035%); highest among the groups gnomAD compares: South Asian, 0.0049%; no homozygotes.

Submissions (3):

Labcorp Genetics (formerly Invitae), Labcorp
Classification: Likely benign for Gorlin syndrome. Last evaluated: 2026-01-27. Review status: criteria provided, single submitter. Criteria: Invitae Variant Classification Sherloc (09022015). Collection method: clinical testing. Allele origin: germline.

GeneDx
Classification: Uncertain significance. Last evaluated: 2023-07-19. Review status: criteria provided, single submitter. Criteria: GeneDx Variant Classification Process June 2021. Collection method: clinical testing. Allele origin: germline. Affected: yes.
Comment: In silico analysis supports that this missense variant does not alter protein structure/function; Has not been previously published as pathogenic or benign to our knowledge

Ambry Genetics
Classification: Likely benign for Hereditary cancer-predisposing syndrome. Last evaluated: 2023-03-02. Review status: criteria provided, single submitter. Criteria: Ambry Variant Classification Scheme 2023. Collection method: clinical testing. Allele origin: germline.